The following is an entry in ClinVar:

NM_145239.3(PRRT2):c.972_975del (p.Val325fs)

Genes: MVP-DT (MVP divergent transcript; minus strand), PRRT2 (proline rich transmembrane protein 2; plus strand). Cytogenetic location: 16p11.2.
Variant type: Deletion.
Coding change: c.972_975del on transcript NM_145239.3 (MANE Select); coding-DNA positions 972 to 975, 4 bases deleted (AGTC; older notation c.972_975delAGTC).
Protein change: p.Val325fs; shifts the reading frame from valine 325.
Molecular consequence: frameshift variant. On other transcripts: 3 prime UTR variant (1).
Genome position (GRCh38, 1-based): chr16:29,814,425-29,814,428, AGTC deleted. VCF-style (leftmost placement, unchanged base first): chr16-29814424-GAGTC-G. GRCh37 (hg19) VCF-style: chr16-29825745-GAGTC-G.
Other names: c.972_975del, p.Val325fs (NM_001256442.2); c.*471_*474del (NM_001256443.2); short protein forms V325fs.
Identifiers: ClinVar variation 536484 (VCV000536484.8), dbSNP rs1555502908, ClinGen allele CA658798587.

ClinVar aggregate classification (germline): Pathogenic (1 of 4 stars; one submission).

Conditions:
Episodic kinesigenic dyskinesia (EKD). Also called: Paroxysmal kinesigenic dyskinesia. Identifiers: Orphanet 98809, MedGen C1868682, MONDO:0044202.

Submission:

Labcorp Genetics (formerly Invitae), Labcorp
Classification: Pathogenic for Episodic kinesigenic dyskinesia. Last evaluated: 2021-08-30. Review status: criteria provided, single submitter. Criteria: Invitae Variant Classification Sherloc (09022015). Collection method: clinical testing. Allele origin: germline.
Comment: This variant disrupts a region of the PRRT2 protein in which other variant(s) (p.Ile327Met) have been determined to be pathogenic (PMID: 2131349, 23496026, 24609974, 24886244). This suggests that this is a clinically significant region of the protein, and that variants that disrupt it are likely to be disease-causing. This sequence change creates a premature translational stop signal (p.Val325Serfs*11) in the PRRT2 gene. While this is not anticipated to result in nonsense mediated decay, it is expected to disrupt the last 16 amino acid(s) of the PRRT2 protein. This variant is not present in population databases (ExAC no frequency). This variant has not been reported in the literature in individuals affected with PRRT2-related conditions. ClinVar contains an entry for this variant (Variation ID: 536484). For these reasons, this variant has been classified as Pathogenic.

Literature cited by the submitters: PubMed 2131349; PubMed 23496026; PubMed 24609974; PubMed 24886244.